The following is an entry in ClinVar:

ClinVar aggregate classification (germline): Uncertain significance. Review status: criteria provided, multiple submitters, no conflicts (2 of 4 stars). 3 submissions from 3 submitters: Uncertain significance (3). Last evaluated 2025-03-05.

Conditions:
Cardiovascular phenotype. Identifiers: MedGen CN230736.
RASopathy. Also called: Noonan spectrum disorder; rasopathies. Identifiers: Orphanet 536391, MedGen C5555857, MONDO:0021060.

gnomAD v4.1: 1 of 1,614,200 alleles (0.000062%); highest among the groups gnomAD compares: Non-Finnish European, 0.000085%; no homozygotes.

Submissions (3):

Labcorp Genetics (formerly Invitae), Labcorp
Classification: Uncertain significance for RASopathy. Last evaluated: 2025-03-05. Review status: criteria provided, single submitter. Criteria: Invitae Variant Classification Sherloc (09022015). Collection method: clinical testing. Allele origin: germline.
Comment: This sequence change replaces serine, which is neutral and polar, with proline, which is neutral and non-polar, at codon 858 of the CBL protein (p.Ser858Pro). This variant is not present in population databases (gnomAD no frequency). This variant has not been reported in the literature in individuals affected with CBL-related conditions. Invitae Evidence Modeling of protein sequence and biophysical properties (such as structural, functional, and spatial information, amino acid conservation, physicochemical variation, residue mobility, and thermodynamic stability) indicates that this missense variant is not expected to disrupt CBL protein function with a negative predictive value of 95%. In summary, the available evidence is currently insufficient to determine the role of this variant in disease. Therefore, it has been classified as a Variant of Uncertain Significance.

Ambry Genetics
Classification: Uncertain significance for Cardiovascular phenotype. Last evaluated: 2024-12-25. Review status: criteria provided, single submitter. Criteria: Ambry Variant Classification Scheme 2023. Collection method: clinical testing. Allele origin: germline.
Comment: The p.S858P variant (also known as c.2572T>C), located in coding exon 16 of the CBL gene, results from a T to C substitution at nucleotide position 2572. The serine at codon 858 is replaced by proline, an amino acid with similar properties. This amino acid position is conserved. In addition, this alteration is predicted to be deleterious by in silico analysis. Based on the available evidence, the clinical significance of this variant remains unclear.

GeneDx
Classification: Uncertain significance. Last evaluated: 2024-12-11. Review status: criteria provided, single submitter. Criteria: GeneDx Variant Classification Process June 2021. Collection method: clinical testing. Allele origin: germline. Affected: yes.
Comment: Not observed at significant frequency in large population cohorts (gnomAD); In silico analysis indicates that this missense variant does not alter protein structure/function; Has not been previously published as pathogenic or benign to our knowledge

NM_005188.4(CBL):c.2572T>C (p.Ser858Pro)

Gene: CBL (Cbl proto-oncogene; plus strand). Cytogenetic location: 11q23.3.
Variant type: single nucleotide variant.
Coding change: c.2572T>C on transcript NM_005188.4 (MANE Select); coding-DNA position 2572, T replaced by C.
Protein change: p.Ser858Pro; replaces serine 858 with proline.
Molecular consequence: missense variant.
Genome position (GRCh38, 1-based): chr11:119,299,632, T>C. VCF-style: chr11-119299632-T-C. GRCh37 (hg19) VCF-style: chr11-119170342-T-C.
Other names: short protein forms S858P.
Identifiers: ClinVar variation 3827794 (VCV003827794.3).